The following is an entry in ClinVar:

NM_152383.5(DIS3L2):c.1789A>G (p.Ile597Val)

Gene: DIS3L2 (DIS3 like 3'-5' exoribonuclease 2; plus strand). Cytogenetic location: 2q37.1.
Variant type: single nucleotide variant.
Coding change: c.1789A>G on transcript NM_152383.5 (MANE Select); coding-DNA position 1789, A replaced by G.
Protein change: p.Ile597Val; replaces isoleucine 597 with valine.
Molecular consequence: missense variant. On other transcripts: intron variant (1).
Genome position (GRCh38, 1-based): chr2:232,329,862, A>G. VCF-style: chr2-232329862-A-G. GRCh37 (hg19) VCF-style: chr2-233194572-A-G.
Other names: c.1582-13483A>G (NM_001257281.2); short protein forms I597V.
Identifiers: ClinVar variation 1043373 (VCV001043373.8), dbSNP rs1695682780, ClinGen allele CA350976024.

ClinVar aggregate classification (germline): Uncertain significance (1 of 4 stars; one submission).

Conditions:
Perlman syndrome (PRLMNS). Identifiers: Orphanet 2849, MedGen C0796113, MONDO:0009965, OMIM 267000.

Allele frequency attached by ClinVar (database versions not stated): gnomAD exomes below 0.00001.
gnomAD v4.1: 1 of 1,558,142 alleles (0.000064%); no homozygotes.

Submission:

Labcorp Genetics (formerly Invitae), Labcorp
Classification: Uncertain significance for Perlman syndrome. Last evaluated: 2020-05-20. Review status: criteria provided, single submitter. Criteria: Invitae Variant Classification Sherloc (09022015). Collection method: clinical testing. Allele origin: germline.
Comment: In summary, the available evidence is currently insufficient to determine the role of this variant in disease. Therefore, it has been classified as a Variant of Uncertain Significance. Algorithms developed to predict the effect of missense changes on protein structure and function output the following: SIFT: "Tolerated"; PolyPhen-2: "Benign"; Align-GVGD: "Class C0". The valine amino acid residue is found in multiple mammalian species, suggesting that this missense change does not adversely affect protein function. These predictions have not been confirmed by published functional studies and their clinical significance is uncertain. This variant has not been reported in the literature in individuals with DIS3L2-related conditions. This variant is not present in population databases (ExAC no frequency). This sequence change replaces isoleucine with valine at codon 597 of the DIS3L2 protein (p.Ile597Val). The isoleucine residue is highly conserved and there is a small physicochemical difference between isoleucine and valine.